The following is an entry in ClinVar:

NM_031935.3(HMCN1):c.4304A>G (p.Asn1435Ser)

Gene: HMCN1 (hemicentin 1; plus strand). Cytogenetic location: 1q31.1.
Variant type: single nucleotide variant.
Coding change: c.4304A>G on transcript NM_031935.3 (MANE Select); coding-DNA position 4304, A replaced by G.
Protein change: p.Asn1435Ser; replaces asparagine 1435 with serine.
Molecular consequence: missense variant.
Genome position (GRCh38, 1-based): chr1:186,001,697, A>G. VCF-style: chr1-186001697-A-G. GRCh37 (hg19) VCF-style: chr1-185970829-A-G.
Other names: short protein forms N1435S.
Identifiers: ClinVar variation 1966546 (VCV001966546.5), dbSNP rs1325039073, ClinGen allele CA343877686.

ClinVar aggregate classification (germline): Uncertain significance (1 of 4 stars; one submission).

Allele frequency attached by ClinVar (database versions not stated): TOPMed below 0.00001; gnomAD 0.00001.
gnomAD v4.1: 1 of 1,612,022 alleles (0.000062%); highest among the groups gnomAD compares: Non-Finnish European, 0.000085%; no homozygotes.

Submission:

Labcorp Genetics (formerly Invitae), Labcorp
Classification: Uncertain significance. Last evaluated: 2022-08-27. Review status: criteria provided, single submitter. Criteria: Invitae Variant Classification Sherloc (09022015). Collection method: clinical testing. Allele origin: germline.
Comment: In summary, the available evidence is currently insufficient to determine the role of this variant in disease. Therefore, it has been classified as a Variant of Uncertain Significance. Algorithms developed to predict the effect of missense changes on protein structure and function are either unavailable or do not agree on the potential impact of this missense change (SIFT: "Deleterious"; PolyPhen-2: "Probably Damaging"; Align-GVGD: "Class C0"). This variant has not been reported in the literature in individuals affected with HMCN1-related conditions. This variant is not present in population databases (gnomAD no frequency). This sequence change replaces asparagine, which is neutral and polar, with serine, which is neutral and polar, at codon 1435 of the HMCN1 protein (p.Asn1435Ser).